The following is an entry in ClinVar:

ClinVar aggregate classification (germline): Benign. Review status: criteria provided, multiple submitters, no conflicts (2 of 4 stars). 2 submissions from 2 submitters: Benign (2). Last evaluated 2018-06-14.

Allele frequency attached by ClinVar (database versions not stated): ExAC 0.01016; gnomAD 0.03239 and 0.03461; 1000 Genomes Project 0.03454; TOPMed 0.03651; gnomAD exomes 0.00461; ESP Exome Variant Server 0.01590.
gnomAD v4.1: 9,302 of 1,478,040 alleles (0.63%); highest among the groups gnomAD compares: African/African-American, 11%; 416 homozygotes.

Submissions (2):

GeneDx
Classification: Benign. Last evaluated: 2018-06-14. Review status: criteria provided, single submitter. Criteria: GeneDx Variant Classification (06012015). Collection method: clinical testing. Allele origin: germline. Affected: yes.
Comment: This variant is considered likely benign or benign based on one or more of the following criteria: it is a conservative change, it occurs at a poorly conserved position in the protein, it is predicted to be benign by multiple in silico algorithms, and/or has population frequency not consistent with disease.

Breakthrough Genomics
Classification: Benign. Review status: criteria provided, single submitter. Criteria: ACMG Guidelines, 2015. Collection method: not provided. Allele origin: germline. Inheritance: Autosomal recessive inheritance. Affected: yes.

NM_001953.5(TYMP):c.1160-48G>A

Genes: SCO2 (synthesis of cytochrome C oxidase 2; minus strand), TYMP (thymidine phosphorylase; minus strand), LOC130067862 (ATAC-STARR-seq lymphoblastoid silent region 13986; plus strand). Cytogenetic location: 22q13.33.
Variant type: single nucleotide variant.
Coding change: c.1160-48G>A on transcript NM_001953.5 (MANE Select); 48 bases into the intron before coding-DNA position 1160, G replaced by A.
Molecular consequence: intron variant.
Genome position (GRCh38, 1-based): chr22:50,526,189, C>T on the plus strand (G>A on the coding strand, the complement: TYMP is on the minus strand). VCF-style: chr22-50526189-C-T. GRCh37 (hg19) VCF-style: chr22-50964618-C-T.
Other names: c.-14+57G>A (NM_001169109.2); c.1160-33G>A (NM_001257989.1); c.1160-48G>A (NM_001257988.1, NM_001113755.3, NM_001113756.3).
Identifiers: ClinVar variation 673707 (VCV000673707.4), dbSNP rs113802488, ClinGen allele CA10321456.
Genomic context (GRCh38, chr22:50,526,189, plus strand): 5'-AGCTCCACGGTGCCTGCGGGGAGAGGGGCTGAGAGGCGCGGGCTCGGGAAGGGGCGGGGC[C>T]TCGGGAAGGGAAGGGGATGGCGGAGGCGGAAGGACGGGGACTCCCCCGACGCTCACCATC-3'